The following is an entry in ClinVar:

NM_031407.7(HUWE1):c.7378G>A (p.Asp2460Asn)

Genes: HUWE1 (HECT, UBA and WWE domain containing E3 ubiquitin protein ligase 1; minus strand), LOC126863262 (MED14-independent group 3 enhancer GRCh37_chrX:53588722-53589921; plus strand). Cytogenetic location: Xp11.22.
Variant type: single nucleotide variant.
Coding change: c.7378G>A on transcript NM_031407.7 (MANE Select); coding-DNA position 7378, G replaced by A.
Protein change: p.Asp2460Asn; replaces aspartic acid 2460 with asparagine.
Molecular consequence: missense variant. On other transcripts: intron variant (1).
Genome position (GRCh38, 1-based): chrX:53,561,885, C>T on the plus strand (G>A on the coding strand, the complement: HUWE1 is on the minus strand). VCF-style: chrX-53561885-C-T. GRCh37 (hg19) VCF-style: chrX-53588846-C-T.
Other names: c.7375G>A, p.Asp2459Asn (NM_001441048.1, NM_001441051.1, NM_001441053.1 and 2 more transcripts); c.7378G>A, p.Asp2460Asn (NM_001441049.1, NM_001441054.1, NM_001441057.1); c.7399G>A, p.Asp2467Asn (NM_001441050.1, NM_001441055.1); c.7106-1469G>A (NM_001441052.1); short protein forms D2459N, D2460N, D2467N.
Identifiers: ClinVar variation 4885494 (VCV004885494.2).

ClinVar aggregate classification (germline): Uncertain significance (1 of 4 stars; one submission).

gnomAD v4.1: 1 of 1,211,305 alleles (0.000083%); highest among the groups gnomAD compares: Non-Finnish European, 0.00011%; no homozygotes.

Submission:

Dasa
Classification: Uncertain significance. Last evaluated: 2025-11-19. Review status: criteria provided, single submitter. Criteria: DASA Assertion Criteria. Collection method: clinical testing. Allele origin: germline.
Comment: NM_031407.7(HUWE1):c.7378G>A (p.Asp2460Asn) is a missense variant that results in the substitution of aspartic acid with asparagine. This variant is rare in population databases. The currently available literature and clinical evidence are not sufficient to establish a definitive association between this variant and the reported condition. Therefore, this variant is classified as a variant of uncertain significance.